The following is an entry in ClinVar:

ClinVar aggregate classification (germline): Uncertain significance. Review status: criteria provided, single submitter (1 of 4 stars). 2 submissions from 2 submitters: Uncertain significance (1). 1 of the submissions does not count toward it. Last evaluated 2021-09-01.

Conditions:
Familial dysautonomia. Also called: HSAN III; FD. Identifiers: Orphanet 1764, MedGen C0013364, MONDO:0009131, OMIM 223900. Disease mechanism: loss of function.

Allele frequency attached by ClinVar (database versions not stated): ExAC 0.00001; gnomAD exomes 0.00001.
gnomAD v4.1: 4 of 1,614,178 alleles (0.00025%); highest among the groups gnomAD compares: South Asian, 0.0033%; no homozygotes.

Submissions (2):

Labcorp Genetics (formerly Invitae), Labcorp
Classification: Uncertain significance. Last evaluated: 2021-09-01. Review status: criteria provided, single submitter. Criteria: Invitae Variant Classification Sherloc (09022015). Collection method: clinical testing. Allele origin: germline.
Comment: This sequence change falls in intron 34 of the ELP1 gene. It does not directly change the encoded amino acid sequence of the ELP1 protein. It affects a nucleotide within the consensus splice site of the intron. This variant is present in population databases (rs761423880, ExAC 0.006%). This variant has not been reported in the literature in individuals affected with ELP1-related conditions. Variants that disrupt the consensus splice site are a relatively common cause of aberrant splicing (PMID: 17576681, 9536098). Algorithms developed to predict the effect of sequence changes on RNA splicing suggest that this variant is not likely to affect RNA splicing. In summary, the available evidence is currently insufficient to determine the role of this variant in disease. Therefore, it has been classified as a Variant of Uncertain Significance.

Natera, Inc.
Classification: Uncertain significance for Familial dysautonomia. Last evaluated: 2020-09-16. Review status: no assertion criteria provided. Collection method: clinical testing. Allele origin: germline. Not counted in ClinVar's aggregate classification.

Literature cited by the submitters: PubMed 17576681 (cited by Labcorp Genetics (formerly Invitae), Labcorp); PubMed 9536098 (cited by Labcorp Genetics (formerly Invitae), Labcorp).

NM_003640.5(ELP1):c.3700+6T>G

Gene: ELP1 (elongator acetyltransferase complex subunit 1; minus strand). Cytogenetic location: 9q31.3.
Variant type: single nucleotide variant.
Coding change: c.3700+6T>G on transcript NM_003640.5 (MANE Select); 6 bases into the intron after coding-DNA position 3700, T replaced by G.
Molecular consequence: intron variant.
Genome position (GRCh38, 1-based): chr9:108,878,617, A>C on the plus strand (T>G on the coding strand, the complement: ELP1 is on the minus strand). VCF-style: chr9-108878617-A-C. GRCh37 (hg19) VCF-style: chr9-111640897-A-C.
Other names: c.3700+6T>G (LRG_251t1); c.3358+6T>G (NM_001318360.2); c.2653+6T>G (NM_001330749.2).
Identifiers: ClinVar variation 662098 (VCV000662098.7), dbSNP rs761423880, ClinGen allele CA5174216.